The following is an entry in ClinVar:

NM_001080432.3(FTO):c.154C>T (p.Arg52Ter)

Gene: FTO (FTO alpha-ketoglutarate dependent dioxygenase; plus strand). Cytogenetic location: 16q12.2.
Variant type: single nucleotide variant.
Coding change: c.154C>T on transcript NM_001080432.3 (MANE Select); coding-DNA position 154, C replaced by T.
Protein change: p.Arg52Ter; replaces arginine 52 with a stop codon.
Molecular consequence: nonsense.
Genome position (GRCh38, 1-based): chr16:53,825,894, C>T. VCF-style: chr16-53825894-C-T. GRCh37 (hg19) VCF-style: chr16-53859806-C-T.
Other names: c.154C>T, p.Arg52Ter (NM_001363891.2, NM_001363894.2, NM_001363896.2 and 6 more transcripts); c.76C>T, p.Arg26Ter (NM_001363897.2); c.-360C>T (NM_001363905.2); short protein forms R52*, R26*.
Identifiers: ClinVar variation 501644 (VCV000501644.11), dbSNP rs531215275, ClinGen allele CA396121270.

ClinVar aggregate classification (germline): Uncertain significance. Review status: criteria provided, multiple submitters, no conflicts (2 of 4 stars). 3 submissions from 3 submitters: Uncertain significance (3). Last evaluated 2024-02-17.

Allele frequency attached by ClinVar (database versions not stated): gnomAD 0.00001; gnomAD exomes 0.00001.
gnomAD v4.1: 19 of 1,613,944 alleles (0.0012%); highest among the groups gnomAD compares: African/African-American, 0.0027%; no homozygotes.

Submissions (3):

Labcorp Genetics (formerly Invitae), Labcorp
Classification: Uncertain significance. Last evaluated: 2024-02-17. Review status: criteria provided, single submitter. Criteria: Invitae Variant Classification Sherloc (09022015). Collection method: clinical testing. Allele origin: germline.
Comment: This sequence change creates a premature translational stop signal (p.Arg52*) in the FTO gene. It is expected to result in an absent or disrupted protein product. However, the current clinical and genetic evidence is not sufficient to establish whether loss-of-function variants in FTO cause disease. This variant is not present in population databases (gnomAD no frequency). This variant has not been reported in the literature in individuals affected with FTO-related conditions. ClinVar contains an entry for this variant (Variation ID: 501644). In summary, the available evidence is currently insufficient to determine the role of this variant in disease. Therefore, it has been classified as a Variant of Uncertain Significance.

Blueprint Genetics
Classification: Uncertain significance. Last evaluated: 2022-02-07. Review status: criteria provided, single submitter. Criteria: ACMG Guidelines, 2015. Collection method: clinical testing. Allele origin: germline.

Eurofins Ntd Llc (ga)
Classification: Uncertain significance. Last evaluated: 2017-04-24. Review status: criteria provided, single submitter. Criteria: EGL Classification Definitions 2015. Collection method: clinical testing. Allele origin: germline. Observed: 1 variant allele, 1 heterozygote.